The following is an entry in ClinVar:

ClinVar aggregate classification (germline): Uncertain significance (1 of 4 stars; one submission).

Conditions:
CHARGE syndrome (CHARGE). Also called: Hittner Hirsch Kreh syndrome; CHARGE ASSOCIATION--COLOBOMA, HEART ANOMALY, CHOANAL ATRESIA, RETARDATION, GENITAL AND EAR ANOMALIES; Coloboma, heart anomaly, choanal atresia, retardation, genital and ear anomalies; CHARGE association; Hall-Hittner syndrome. Identifiers: Orphanet 138, MedGen C0265354, MONDO:0008965.

Allele frequency attached by ClinVar (database versions not stated): TOPMed below 0.00001; gnomAD exomes 0.00001.
gnomAD v4.1: 8 of 1,606,322 alleles (0.0005%); highest among the groups gnomAD compares: Admixed American, 0.0017%; no homozygotes.

Submission:

Labcorp Genetics (formerly Invitae), Labcorp
Classification: Uncertain significance for CHARGE syndrome. Last evaluated: 2023-05-11. Review status: criteria provided, single submitter. Criteria: Invitae Variant Classification Sherloc (09022015). Collection method: clinical testing. Allele origin: germline.
Comment: This sequence change replaces proline, which is neutral and non-polar, with serine, which is neutral and polar, at codon 2599 of the CHD7 protein (p.Pro2599Ser). This variant is not present in population databases (gnomAD no frequency). This variant has not been reported in the literature in individuals affected with CHD7-related conditions. ClinVar contains an entry for this variant (Variation ID: 1413720). Advanced modeling of protein sequence and biophysical properties (such as structural, functional, and spatial information, amino acid conservation, physicochemical variation, residue mobility, and thermodynamic stability) performed at Invitae indicates that this missense variant is not expected to disrupt CHD7 protein function. In summary, the available evidence is currently insufficient to determine the role of this variant in disease. Therefore, it has been classified as a Variant of Uncertain Significance.

NM_017780.4(CHD7):c.7795C>T (p.Pro2599Ser)

Gene: CHD7 (chromodomain helicase DNA binding protein 7; plus strand). Cytogenetic location: 8q12.2.
Variant type: single nucleotide variant.
Coding change: c.7795C>T on transcript NM_017780.4 (MANE Select); coding-DNA position 7795, C replaced by T.
Protein change: p.Pro2599Ser; replaces proline 2599 with serine.
Molecular consequence: missense variant. On other transcripts: intron variant (1).
Genome position (GRCh38, 1-based): chr8:60,861,090, C>T. VCF-style: chr8-60861090-C-T. GRCh37 (hg19) VCF-style: chr8-61773649-C-T.
Other names: c.1717-1139C>T (NM_001316690.1); short protein forms P2599S.
Identifiers: ClinVar variation 1413720 (VCV001413720.8), dbSNP rs1805948281, ClinGen allele CA371304716.